The following is an entry in ClinVar:

ClinVar aggregate classification (germline): Pathogenic (1 of 4 stars; one submission).

Allele frequency attached by ClinVar (database versions not stated): gnomAD exomes below 0.00001; TOPMed below 0.00001; gnomAD 0.00001.
gnomAD v4.1: 6 of 1,612,294 alleles (0.00037%); highest among the groups gnomAD compares: African/African-American, 0.0053%; no homozygotes.

Submission:

Labcorp Genetics (formerly Invitae), Labcorp
Classification: Pathogenic. Last evaluated: 2024-09-16. Review status: criteria provided, single submitter. Criteria: Invitae Variant Classification Sherloc (09022015). Collection method: clinical testing. Allele origin: germline.
Comment: This sequence change creates a premature translational stop signal (p.Trp278*) in the MTFMT gene. It is expected to result in an absent or disrupted protein product. Loss-of-function variants in MTFMT are known to be pathogenic (PMID: 21907147, 24461907). This variant is present in population databases (no rsID available, gnomAD 0.004%). This variant has not been reported in the literature in individuals affected with MTFMT-related conditions. ClinVar contains an entry for this variant (Variation ID: 1365559). Algorithms developed to predict the effect of sequence changes on RNA splicing suggest that this variant may disrupt the consensus splice site. For these reasons, this variant has been classified as Pathogenic.

Literature cited by the submitters: PubMed 21907147; PubMed 24461907.

NM_139242.4(MTFMT):c.834G>A (p.Trp278Ter)

Gene: MTFMT (mitochondrial methionyl-tRNA formyltransferase; minus strand). Cytogenetic location: 15q22.31.
Variant type: single nucleotide variant.
Coding change: c.834G>A on transcript NM_139242.4 (MANE Select); coding-DNA position 834, G replaced by A.
Protein change: p.Trp278Ter; replaces tryptophan 278 with a stop codon.
Molecular consequence: nonsense.
Genome position (GRCh38, 1-based): chr15:65,006,171, C>T on the plus strand (G>A on the coding strand, the complement: MTFMT is on the minus strand). VCF-style: chr15-65006171-C-T. GRCh37 (hg19) VCF-style: chr15-65298509-C-T.
Other names: short protein forms W278*.
Identifiers: ClinVar variation 1365559 (VCV001365559.6), dbSNP rs1471807026, ClinGen allele CA392847329.
Genomic context (GRCh38, chr15:65,006,171, plus strand): 5'-ACCAGCAAGGACTGAACTGTTAACTTCTACCAAATCCAGAAGTTTAATGGTATTCGCCAT[C>T]CAGAGCGTCTGCAACGGAATCTGCAAGTAAAATTAAAGAAGGTATGATAAAGGAATACAC-3'